The following is an entry in ClinVar:

NM_014363.6(SACS):c.1906C>T (p.Arg636Trp)

Gene: SACS (sacsin molecular chaperone; minus strand). Cytogenetic location: 13q12.12.
Variant type: single nucleotide variant.
Coding change: c.1906C>T on transcript NM_014363.6 (MANE Select); coding-DNA position 1906, C replaced by T.
Protein change: p.Arg636Trp; replaces arginine 636 with tryptophan.
Molecular consequence: missense variant.
Genome position (GRCh38, 1-based): chr13:23,354,706, G>A on the plus strand (C>T on the coding strand, the complement: SACS is on the minus strand). VCF-style: chr13-23354706-G-A. GRCh37 (hg19) VCF-style: chr13-23928845-G-A.
Other names: p.Arg636Trp; c.1906C>T (NM_014363.4); c.1465C>T, p.Arg489Trp (NM_001278055.2); short protein forms R636W, R489W.
Identifiers: ClinVar variation 559187 (VCV000559187.22), dbSNP rs201752905, ClinGen allele CA6911823.
Genomic context (GRCh38, chr13:23,354,706, plus strand): 5'-AAAGCACAAATTCTAGAAGGTGAAGCTTTTCTTCAGCACAGCCCAGGTGTGCACACTTCC[G>A]CAGCACCTGCCGCACCCACGCGGGCGTCACCTTCCTCACAGGTGTTGTGCCAGAGGCAGC-3'
Protein context (NP_055178.3, residues 626-646): VTPAWVRQVL[Arg636Trp]KCAHLGCAEE

ClinVar aggregate classification (germline): Conflicting classifications of pathogenicity. Review status: criteria provided, conflicting classifications (1 of 4 stars). 6 submissions from 6 submitters: Uncertain significance (5); Likely benign (1). Last evaluated 2026-06-04.

Conditions:
SACS-related disorder. Also called: SACS-related condition.
Inborn genetic diseases. Identifiers: MedGen C0950123, MeSH D030342.
Charlevoix-Saguenay spastic ataxia (SACS). Also called: AUTOSOMAL RECESSIVE SPASTIC ATAXIA OF CHARLEVOIX-SAGUENAY; SPASTIC ATAXIA 6, AUTOSOMAL RECESSIVE; Spastic ataxia of Charlevoix-Saguenay. Identifiers: Orphanet 98, MedGen C1849140, MONDO:0010041, OMIM 270550.
Spastic paraplegia. Identifiers: MedGen C0037772, HP:0001258.

Allele frequency attached by ClinVar (database versions not stated): gnomAD 0.00003; gnomAD exomes 0.00004 and 0.00008; TOPMed 0.00006; ExAC 0.00008; 1000 Genomes Project 0.00020; 1000 Genomes Project 30x 0.00031.
gnomAD v4.1: 65 of 1,613,804 alleles (0.004%); highest among the groups gnomAD compares: Admixed American, 0.0083%; no homozygotes.

Submissions (6):

PreventionGenetics, part of Exact Sciences
Classification: Uncertain significance for SACS-related condition. Last evaluated: 2026-06-04. Review status: criteria provided, single submitter. Criteria: ACMG Guidelines, 2015. Collection method: clinical testing. Allele origin: germline.
Comment: The SACS c.1906C>T variant is predicted to result in the amino acid substitution p.Arg636Trp. To our knowledge, this variant has not been reported in the literature. This variant is reported in 0.014% of alleles in individuals of Latino descent in gnomAD. At this time, the clinical significance of this variant is uncertain due to the absence of conclusive functional and genetic evidence.

Mayo Clinic Laboratories, Mayo Clinic
Classification: Uncertain significance. Last evaluated: 2025-04-21. Review status: criteria provided, single submitter. Criteria: ACMG Guidelines, 2015. Collection method: clinical testing. Allele origin: germline. Observed: 1 variant allele.

Labcorp Genetics (formerly Invitae), Labcorp
Classification: Likely benign for Spastic paraplegia. Last evaluated: 2024-11-11. Review status: criteria provided, single submitter. Criteria: Invitae Variant Classification Sherloc (09022015). Collection method: clinical testing. Allele origin: germline.

Ambry Genetics
Classification: Uncertain significance for Inborn genetic diseases. Last evaluated: 2024-05-09. Review status: criteria provided, single submitter. Criteria: Ambry Variant Classification Scheme 2023. Collection method: clinical testing. Allele origin: germline.

Genome-Nilou Lab
Classification: Uncertain significance for Charlevoix-Saguenay spastic ataxia. Last evaluated: 2021-09-05. Review status: criteria provided, single submitter. Criteria: ACMG Guidelines, 2015. Collection method: clinical testing. Allele origin: germline. Affected: no.

Illumina Laboratory Services, Illumina
Classification: Uncertain significance for Charlevoix-Saguenay spastic ataxia. Last evaluated: 2018-01-12. Review status: criteria provided, single submitter. Criteria: ICSL Variant Classification Criteria 13 December 2019. Collection method: clinical testing. Allele origin: germline.